The following is an entry in ClinVar:

ClinVar aggregate classification (germline): Benign. Review status: criteria provided, multiple submitters, no conflicts (2 of 4 stars). 2 submissions from 2 submitters: Benign (2). Last evaluated 2018-06-19.

Allele frequency attached by ClinVar (database versions not stated): 1000 Genomes Project 0.05172; 1000 Genomes Project 30x 0.05231; TOPMed 0.09878; gnomAD 0.11499 and 0.11750.
gnomAD v4.1: 17,384 of 152,166 alleles (11%); highest among the groups gnomAD compares: Non-Finnish European, 17%; 1,390 homozygotes.

Submissions (2):

GeneDx
Classification: Benign. Last evaluated: 2018-06-19. Review status: criteria provided, single submitter. Criteria: GeneDx Variant Classification (06012015). Collection method: clinical testing. Allele origin: germline. Affected: yes.
Comment: This variant is considered likely benign or benign based on one or more of the following criteria: it is a conservative change, it occurs at a poorly conserved position in the protein, it is predicted to be benign by multiple in silico algorithms, and/or has population frequency not consistent with disease.

Breakthrough Genomics
Classification: Benign. Review status: criteria provided, single submitter. Criteria: ACMG Guidelines, 2015. Collection method: not provided. Allele origin: germline. Inheritance: Autosomal recessive inheritance. Affected: yes.

NM_015662.3(IFT172):c.3372-236G>A

Gene: IFT172 (intraflagellar transport 172; minus strand). Cytogenetic location: 2p23.3.
Variant type: single nucleotide variant.
Coding change: c.3372-236G>A on transcript NM_015662.3 (MANE Select); 236 bases into the intron before coding-DNA position 3372, G replaced by A.
Molecular consequence: intron variant.
Genome position (GRCh38, 1-based): chr2:27,454,896, C>T on the plus strand (G>A on the coding strand, the complement: IFT172 is on the minus strand). VCF-style: chr2-27454896-C-T. GRCh37 (hg19) VCF-style: chr2-27677763-C-T.
Identifiers: ClinVar variation 681853 (VCV000681853.2), dbSNP rs79740025, ClinGen allele CA15179333.
Genomic context (GRCh38, chr2:27,454,896, plus strand): 5'-CTGTGAAGACCATGTCACTGTCAGCGTGGATCAAGAGACGTCTGGAAAAGCCTATGCCTT[C>T]CCTGAGGCCAGCTGCTCCTGAGGAATTAGTTTGGGCCTGCGAAGGGGAAGGGAGGAGTGA-3'